The following is an entry in ClinVar:

ClinVar aggregate classification (germline): Uncertain significance. Review status: criteria provided, multiple submitters, no conflicts (2 of 4 stars). 2 submissions from 2 submitters: Uncertain significance (2). Last evaluated 2023-03-13.

Conditions:
Juvenile polyposis syndrome (JPS). Identifiers: Orphanet 2929, MedGen C0345893, MONDO:0017380, OMIM 174900.

Submissions (2):

Labcorp Genetics (formerly Invitae), Labcorp
Classification: Uncertain significance for Juvenile polyposis syndrome. Last evaluated: 2023-03-13. Review status: criteria provided, single submitter. Criteria: Invitae Variant Classification Sherloc (09022015). Collection method: clinical testing. Allele origin: germline.
Comment: This variant is not present in population databases (gnomAD no frequency). This sequence change replaces serine, which is neutral and polar, with proline, which is neutral and non-polar, at codon 357 of the SMAD4 protein (p.Ser357Pro). This variant has not been reported in the literature in individuals affected with SMAD4-related conditions. In summary, the available evidence is currently insufficient to determine the role of this variant in disease. Therefore, it has been classified as a Variant of Uncertain Significance. Advanced modeling of protein sequence and biophysical properties (such as structural, functional, and spatial information, amino acid conservation, physicochemical variation, residue mobility, and thermodynamic stability) has been performed at Invitae for this missense variant, however the output from this modeling did not meet the statistical confidence thresholds required to predict the impact of this variant on SMAD4 protein function. ClinVar contains an entry for this variant (Variation ID: 1706273).

GeneDx
Classification: Uncertain significance. Last evaluated: 2022-03-16. Review status: criteria provided, single submitter. Criteria: GeneDx Variant Classification Process June 2021. Collection method: clinical testing. Allele origin: germline. Affected: yes.
Comment: Not observed at significant frequency in large population cohorts (gnomAD); In silico analysis supports that this missense variant has a deleterious effect on protein structure/function; Has not been previously published as pathogenic or benign to our knowledge; This variant is associated with the following publications: (PMID: 17873119, 18823382, 15235019, 27908614, 26900293, 27294619)

NM_005359.6(SMAD4):c.1069T>C (p.Ser357Pro)

Gene: SMAD4 (SMAD family member 4; plus strand). Cytogenetic location: 18q21.2.
Variant type: single nucleotide variant.
Coding change: c.1069T>C on transcript NM_005359.6 (MANE Select); coding-DNA position 1069, T replaced by C.
Protein change: p.Ser357Pro; replaces serine 357 with proline.
Molecular consequence: missense variant.
Genome position (GRCh38, 1-based): chr18:51,065,536, T>C. VCF-style: chr18-51065536-T-C. GRCh37 (hg19) VCF-style: chr18-48591906-T-C.
Other names: c.1069T>C, p.Ser357Pro (NM_001407041.1, NM_001407042.1, NM_001407043.1); short protein forms S357P.
Identifiers: ClinVar variation 1706273 (VCV001706273.5), dbSNP rs2511383018, ClinGen allele CA402464325.